The following is an entry in ClinVar:

ClinVar aggregate classification (germline): Uncertain significance. Review status: criteria provided, multiple submitters, no conflicts (2 of 4 stars). 3 submissions from 3 submitters: Uncertain significance (2). 1 of the submissions does not count toward it. Last evaluated 2025-04-12.

Conditions:
Inborn genetic diseases. Identifiers: MedGen C0950123, MeSH D030342.
Joubert syndrome. Also called: CEREBELLOPARENCHYMAL DISORDER IV; JOUBERT-BOLTSHAUSER SYNDROME; Familial aplasia of the vermis. Identifiers: Orphanet 475, MedGen C5979921, MONDO:0018772.
Nephronophthisis. Also called: Juvenile Nephronophthisis. Identifiers: Orphanet 655, MedGen C0687120, MONDO:0019005, HP:0000090.
Meckel-Gruber syndrome. Also called: DYSENCEPHALIA SPLANCHNOCYSTICA; GRUBER SYNDROME; Dysencephalia splachnocystica. Identifiers: Orphanet 564, MedGen C0265215, MONDO:0018921.
CEP290-related disorder. Also called: CEP290-related condition; CEP290-related disorders. Identifiers: MedGen CN239314.

Allele frequency attached by ClinVar (database versions not stated): ExAC 0.00001; gnomAD exomes 0.00001; TOPMed 0.00001.
gnomAD v4.1: 3 of 1,613,426 alleles (0.00019%); highest among the groups gnomAD compares: Non-Finnish European, 0.00025%; no homozygotes.

Submissions (3):

Ambry Genetics
Classification: Uncertain significance for Inborn genetic diseases. Last evaluated: 2025-04-12. Review status: criteria provided, single submitter. Criteria: Ambry Variant Classification Scheme 2023. Collection method: clinical testing. Allele origin: germline.

Labcorp Genetics (formerly Invitae), Labcorp
Classification: Uncertain significance for Joubert syndrome; Meckel-Gruber syndrome; Nephronophthisis. Last evaluated: 2022-10-17. Review status: criteria provided, single submitter. Criteria: Invitae Variant Classification Sherloc (09022015). Collection method: clinical testing. Allele origin: germline.
Comment: This sequence change replaces glutamine, which is neutral and polar, with arginine, which is basic and polar, at codon 410 of the CEP290 protein (p.Gln410Arg). The frequency data for this variant in the population databases is considered unreliable, as metrics indicate poor data quality at this position in the gnomAD database. This variant has not been reported in the literature in individuals affected with CEP290-related conditions. Advanced modeling of protein sequence and biophysical properties (such as structural, functional, and spatial information, amino acid conservation, physicochemical variation, residue mobility, and thermodynamic stability) performed at Invitae indicates that this missense variant is not expected to disrupt CEP290 protein function. In summary, the available evidence is currently insufficient to determine the role of this variant in disease. Therefore, it has been classified as a Variant of Uncertain Significance.

PreventionGenetics, part of Exact Sciences
Classification: Uncertain significance for CEP290-related condition. Last evaluated: 2024-09-25. Review status: no assertion criteria provided. Collection method: clinical testing. Allele origin: germline. Not counted in ClinVar's aggregate classification.
Comment: The CEP290 c.1229A>G variant is predicted to result in the amino acid substitution p.Gln410Arg. To our knowledge, this variant has not been reported in the literature. This variant is reported in 0.00089% of alleles in individuals of European (Non-Finnish) descent in gnomAD. At this time, the clinical significance of this variant is uncertain due to the absence of conclusive functional and genetic evidence.

NM_025114.4(CEP290):c.1229A>G (p.Gln410Arg)

Gene: CEP290 (centrosomal protein 290; minus strand). Cytogenetic location: 12q21.32.
Variant type: single nucleotide variant.
Coding change: c.1229A>G on transcript NM_025114.4 (MANE Select); coding-DNA position 1229, A replaced by G.
Protein change: p.Gln410Arg; replaces glutamine 410 with arginine.
Molecular consequence: missense variant.
Genome position (GRCh38, 1-based): chr12:88,121,127, T>C on the plus strand (A>G on the coding strand, the complement: CEP290 is on the minus strand). VCF-style: chr12-88121127-T-C. GRCh37 (hg19) VCF-style: chr12-88514904-T-C.
Other names: c.1229A>G (NM_025114.3); short protein forms Q410R.
Identifiers: ClinVar variation 2147092 (VCV002147092.3), dbSNP rs750012169, ClinGen allele CA6712595.